The following is an entry in ClinVar:

NM_001256545.2(MEGF10):c.588G>A (p.Gln196=)

Gene: MEGF10 (multiple EGF like domains 10; plus strand). Cytogenetic location: 5q23.2.
Variant type: single nucleotide variant.
Coding change: c.588G>A on transcript NM_001256545.2 (MANE Select); coding-DNA position 588, G replaced by A.
Protein change: p.Gln196=; no amino-acid change (glutamine 196 retained).
Molecular consequence: synonymous variant.
Genome position (GRCh38, 1-based): chr5:127,396,707, G>A. VCF-style: chr5-127396707-G-A. GRCh37 (hg19) VCF-style: chr5-126732399-G-A.
Other names: p.Gln196=; c.588G>A, p.Gln196= (NM_001308119.2, NM_001308121.2, NM_032446.3).
Identifiers: ClinVar variation 262077 (VCV000262077.25), dbSNP rs3812055, ClinGen allele CA3391334.

ClinVar aggregate classification (germline): Benign. Review status: criteria provided, multiple submitters, no conflicts (2 of 4 stars). 7 submissions from 7 submitters: Benign (7). Last evaluated 2026-02-03.

Conditions:
MEGF10-related myopathy (CMYO10A). Also called: Congenital myopathy 10A, severe variant. Identifiers: Orphanet 439212, MedGen C3280679, MONDO:0013731, OMIM 614399.

Allele frequency attached by ClinVar (database versions not stated): gnomAD exomes 0.14653 and 0.15129; ExAC 0.15368; TOPMed 0.16363; 1000 Genomes Project 30x 0.16490; 1000 Genomes Project 0.16673; gnomAD 0.16829 and 0.16961; ESP Exome Variant Server 0.17354.
gnomAD v4.1: 246,264 of 1,614,004 alleles (15%); highest among the groups gnomAD compares: African/African-American, 23%; 19,387 homozygotes.

Submissions (7):

Labcorp Genetics (formerly Invitae), Labcorp
Classification: Benign for MEGF10-related myopathy. Last evaluated: 2026-02-03. Review status: criteria provided, single submitter. Criteria: Invitae Variant Classification Sherloc (09022015). Collection method: clinical testing. Allele origin: germline.

Blueprint Genetics
Classification: Benign. Last evaluated: 2024-11-26. Review status: criteria provided, single submitter. Criteria: ACMG Guidelines, 2015. Collection method: clinical testing. Allele origin: germline.

Illumina Laboratory Services, Illumina
Classification: Benign for MEGF10-related myopathy. Last evaluated: 2018-01-13. Review status: criteria provided, single submitter. Criteria: ICSL Variant Classification Criteria 13 December 2019. Collection method: clinical testing. Allele origin: germline.
Comment: This variant was observed in the ICSL laboratory as part of a predisposition screen in an ostensibly healthy population. It had not been previously curated by ICSL or reported in the Human Gene Mutation Database (HGMD: prior to June 1st, 2018), and was therefore a candidate for classification through an automated scoring system. Utilizing variant allele frequency, disease prevalence and penetrance estimates, and inheritance mode, an automated score was calculated to assess if this variant is too frequent to cause the disease. Based on the score and internal cut-off values, a variant classified as benign is not then subjected to further curation. The score for this variant resulted in a classification of benign for this disease.

Mayo Clinic Laboratories, Mayo Clinic
Classification: Benign. Last evaluated: 2017-08-25. Review status: criteria provided, single submitter. Criteria: ACMG Guidelines, 2015. Collection method: clinical testing. Allele origin: germline. Observed: 121 variant alleles.

Laboratory for Molecular Medicine, Mass General Brigham Personalized Medicine
Classification: Benign. Last evaluated: 2016-03-29. Review status: criteria provided, single submitter. Criteria: LMM Criteria. Collection method: clinical testing. Allele origin: germline.
Comment: Variant identified in a genome or exome case(s) and assessed due to predicted null impact of the variant or pathogenic assertions in the literature or databases. Disclaimer: This variant has not undergone full assessment. The following are preliminary notes: 15% of total chromosomes in ExAC

GeneDx
Classification: Benign. Last evaluated: 2016-01-29. Review status: criteria provided, single submitter. Criteria: GeneDx Variant Classification (06012015). Collection method: clinical testing. Allele origin: germline. Affected: yes.
Comment: This variant is considered likely benign or benign based on one or more of the following criteria: it is a conservative change, it occurs at a poorly conserved position in the protein, it is predicted to be benign by multiple in silico algorithms, and/or has population frequency not consistent with disease.

PreventionGenetics, part of Exact Sciences
Classification: Benign. Review status: criteria provided, single submitter. Criteria: ACMG Guidelines, 2015. Collection method: clinical testing. Allele origin: germline.